The following is an entry in ClinVar:

ClinVar aggregate classification (germline): Conflicting classifications of pathogenicity. Review status: criteria provided, conflicting classifications (1 of 4 stars). 5 submissions from 5 submitters: Uncertain significance (4); Likely benign (1). Last evaluated 2025-08-04.

Conditions:
Familial adenomatous polyposis 1 (FAP1). Also called: FAMILIAL ADENOMATOUS POLYPOSIS 1, ATTENUATED; POLYPOSIS, ADENOMATOUS INTESTINAL. Identifiers: MedGen C2713442, MONDO:0021056, OMIM 175100. Disease mechanism: loss of function.
Hepatocellular carcinoma (HCC). Also called: Primary carcinoma of liver; HEPATOMA; LIVER CELL CARCINOMA. Identifiers: Orphanet 88673, MedGen C2239176, MONDO:0007256, OMIM 114550, HP:0001402.
Desmoid disease, hereditary (DESMD). Also called: FIBROMATOSIS, FAMILIAL INFILTRATIVE. Identifiers: Orphanet 873, MedGen C1851124, OMIM 135290. Disease mechanism: loss of function.
Gastric adenocarcinoma and proximal polyposis of the stomach (GAPPS). Also called: POLYPOSIS, GASTRIC; Gastric Adenocarcinoma and Proximal Polyposis of the Stomach (GAPPS); Polyposis, gastric, Dos Santos and de Magalhaes 1980. Identifiers: Orphanet 314022, MedGen C4749917, MONDO:0017790, OMIM 619182.
Gastric cancer. Also called: Stomach cancer; Malignant tumor of stomach. Identifiers: MedGen C0024623, MeSH D013274, MONDO:0001056, OMIM 613659, HP:0012126.
Colorectal cancer. Also called: Colorectal cancer, somatic; Malignant Colorectal Neoplasm. Identifiers: MedGen C0346629, MONDO:0005575, OMIM 114500.
Hereditary cancer-predisposing syndrome. Also called: Tumor predisposition; Hereditary neoplastic syndrome; Hereditary Cancer Syndrome; Neoplastic Syndromes, Hereditary. Identifiers: Orphanet 140162, MedGen C0027672, MeSH D009386, MONDO:0015356.

Submissions (5):

Color Diagnostics, LLC DBA Color Health
Classification: Uncertain significance for Hereditary cancer-predisposing syndrome. Last evaluated: 2025-08-04. Review status: criteria provided, single submitter. Criteria: ACMG Guidelines, 2015. Collection method: clinical testing. Allele origin: germline.
Comment: This variant causes a deletion of serine at codon 1758 of the APC protein. To our knowledge, functional studies have not been reported for this variant. This variant has not been reported in individuals affected with APC-related disorders in the literature. This variant has been identified in 3/250476 chromosomes in the general population by the Genome Aggregation Database (gnomAD). The available evidence is insufficient to determine the role of this variant in disease conclusively. Therefore, this variant is classified as a Variant of Uncertain Significance.

Labcorp Genetics (formerly Invitae), Labcorp
Classification: Uncertain significance for Familial adenomatous polyposis 1. Last evaluated: 2025-03-23. Review status: criteria provided, single submitter. Criteria: Invitae Variant Classification Sherloc (09022015). Collection method: clinical testing. Allele origin: germline.
Comment: This variant, c.5272_5274del, results in the deletion of 1 amino acid(s) of the APC protein (p.Ser1758del), but otherwise preserves the integrity of the reading frame. This variant is present in population databases (rs780061589, gnomAD 0.006%). This variant has not been reported in the literature in individuals affected with APC-related conditions. ClinVar contains an entry for this variant (Variation ID: 482242). Experimental studies and prediction algorithms are not available or were not evaluated, and the functional significance of this variant is currently unknown. In summary, the available evidence is currently insufficient to determine the role of this variant in disease. Therefore, it has been classified as a Variant of Uncertain Significance.

Fulgent Genetics
Classification: Uncertain significance for Colorectal cancer; Hepatocellular carcinoma; Desmoid disease, hereditary; Familial adenomatous polyposis 1; Gastric cancer; Gastric adenocarcinoma and proximal polyposis of the stomach. Last evaluated: 2024-06-12. Review status: criteria provided, single submitter. Criteria: ACMG Guidelines, 2015. Collection method: clinical testing. Allele origin: germline.

Institute for Clinical Genetics, University Hospital TU Dresden, University Hospital TU Dresden
Classification: Uncertain significance. Last evaluated: 2021-11-03. Review status: criteria provided, single submitter. Criteria: ACMG Guidelines, 2015. Collection method: clinical testing. Allele origin: germline.

Ambry Genetics
Classification: Likely benign for Hereditary cancer-predisposing syndrome. Last evaluated: 2021-09-20. Review status: criteria provided, single submitter. Criteria: Ambry Variant Classification Scheme 2023. Collection method: clinical testing. Allele origin: germline.

NM_000038.6(APC):c.5266TCT[2] (p.Ser1758del)

Gene: APC (APC regulator of Wnt signaling pathway; plus strand). Cytogenetic location: 5q22.2.
Variant type: Microsatellite.
Coding change: c.5266TCT[2] on transcript NM_000038.6 (MANE Select); two copies in a row of the 3-base unit TCT starting at c.5266; the reference has three copies in a row; one copy, 3 bases deleted; also written c.5272_5274del.
Protein change: p.Ser1758del; deletes serine 1758.
Molecular consequence: inframe deletion.
Genome position (GRCh38, 1-based): chr5:112,840,866-112,840,868, TCT deleted; deleting any 3 consecutive bases within chr5:112,840,860-112,840,868 gives the same sequence; the position shown is the placement nearest the transcript's 3' end. VCF-style (leftmost placement, unchanged base first): chr5-112840859-GTCT-G. GRCh37 (hg19) VCF-style: chr5-112176556-GTCT-G.
Other names: c.5266TCT[2], p.Ser1758del (NM_001127510.3, NM_001354895.2); c.5212TCT[2], p.Ser1740del (NM_001127511.3); c.5320TCT[2], p.Ser1776del (NM_001354896.2); c.5296TCT[2], p.Ser1768del (NM_001354897.2); c.5191TCT[2], p.Ser1733del (NM_001354898.2); c.5182TCT[2], p.Ser1730del (NM_001354899.2); c.5143TCT[2], p.Ser1717del (NM_001354900.2); c.5089TCT[2], p.Ser1699del (NM_001354901.2); and 6 more; short protein forms S1740del, S1758del, S1667del, S1768del, S1699del, S1717del, S1598del, S1657del.
Identifiers: ClinVar variation 482242 (VCV000482242.24), dbSNP rs780061589, ClinGen allele CA041117.